The following is an entry in ClinVar:

NM_001130823.3(DNMT1):c.4489+17G>T

Gene: DNMT1 (DNA methyltransferase 1; minus strand). Cytogenetic location: 19p13.2.
Variant type: single nucleotide variant.
Coding change: c.4489+17G>T on transcript NM_001130823.3 (MANE Select); 17 bases into the intron after coding-DNA position 4489, G replaced by T.
Molecular consequence: intron variant.
Genome position (GRCh38, 1-based): chr19:10,137,068, C>A on the plus strand (G>T on the coding strand, the complement: DNMT1 is on the minus strand). VCF-style: chr19-10137068-C-A. GRCh37 (hg19) VCF-style: chr19-10247744-C-A.
Other names: c.4126+17G>T (NM_001318731.2); c.4441+17G>T (NM_001379.4); c.4450+8G>T (NM_001318730.2).
Identifiers: ClinVar variation 2037613 (VCV002037613.8), dbSNP rs1212852216, ClinGen allele CA631709487.

ClinVar aggregate classification (germline): Conflicting classifications of pathogenicity. Review status: criteria provided, conflicting classifications (1 of 4 stars). 2 submissions from 2 submitters: Uncertain significance (1); Likely benign (1). Last evaluated 2026-01-06.

Conditions:
Hereditary sensory neuropathy-deafness-dementia syndrome. Also called: Hereditary Sensory and Autonomic Neuropathy Type 1E (HSAN1E); NEUROPATHY, HEREDITARY SENSORY, WITH HEARING LOSS AND DEMENTIA; HSN IE; Hereditary sensory neuropathy type IE. Identifiers: Orphanet 456318, MedGen C3279885, MONDO:0013584, OMIM 614116.

Allele frequency attached by ClinVar (database versions not stated): TOPMed 0.00001.
gnomAD v4.1: 2 of 1,610,220 alleles (0.00012%); highest among the groups gnomAD compares: Admixed American, 0.0034%; no homozygotes.

Submissions (2):

Labcorp Genetics (formerly Invitae), Labcorp
Classification: Likely benign for Hereditary sensory neuropathy-deafness-dementia syndrome. Last evaluated: 2026-01-06. Review status: criteria provided, single submitter. Criteria: Invitae Variant Classification Sherloc (09022015). Collection method: clinical testing. Allele origin: germline.

CeGaT Center for Human Genetics Tuebingen
Classification: Uncertain significance. Last evaluated: 2026-01-01. Review status: criteria provided, single submitter. Criteria: CeGaT Center For Human Genetics Tuebingen Variant Classification Criteria Version 2. Collection method: clinical testing. Allele origin: germline. Affected: yes. Observed: 1 variant allele.
Comment: DNMT1: PM2, BP4